The following is an entry in ClinVar:

ClinVar aggregate classification (germline): Uncertain significance. Review status: criteria provided, multiple submitters, no conflicts (2 of 4 stars). 4 submissions from 4 submitters: Uncertain significance (4). Last evaluated 2025-08-23.

Conditions:
Progressive sclerosing poliodystrophy (MTDPS4A). Also called: ALPERS PROGRESSIVE INFANTILE POLIODYSTROPHY; NEURONAL DEGENERATION OF CHILDHOOD WITH LIVER DISEASE, PROGRESSIVE; Alpers-Huttenlocher Syndrome (AHS); ALPERS DIFFUSE DEGENERATION OF CEREBRAL GRAY MATTER WITH HEPATIC CIRRHOSIS; Alpers-Huttenlocher Syndrome; Alpers Syndrome. Identifiers: Orphanet 726, MedGen C0205710, MONDO:0008758, OMIM 203700.
Inborn genetic diseases. Identifiers: MedGen C0950123, MeSH D030342.

Submissions (4):

Ambry Genetics
Classification: Uncertain significance for Inborn genetic diseases. Last evaluated: 2025-08-23. Review status: criteria provided, single submitter. Criteria: Ambry Variant Classification Scheme 2023. Collection method: clinical testing. Allele origin: germline.

Dasa
Classification: Uncertain significance. Last evaluated: 2025-04-26. Review status: criteria provided, single submitter. Criteria: DASA Assertion Criteria. Collection method: clinical testing. Allele origin: germline.
Comment: NM_002693.3(POLG):c.372G>T (p.Glu124Asp) is a missense variant that results in the substitution of glutamic acid with aspartic acid. This variant is absent from population databases. The currently available literature and clinical evidence are not sufficient to establish a definitive association between this variant and the reported condition. Therefore, this variant is classified as a variant of uncertain significance.

Labcorp Genetics (formerly Invitae), Labcorp
Classification: Uncertain significance for Progressive sclerosing poliodystrophy. Last evaluated: 2024-08-08. Review status: criteria provided, single submitter. Criteria: Invitae Variant Classification Sherloc (09022015). Collection method: clinical testing. Allele origin: germline.
Comment: This sequence change replaces glutamic acid, which is acidic and polar, with aspartic acid, which is acidic and polar, at codon 124 of the POLG protein (p.Glu124Asp). This variant is not present in population databases (gnomAD no frequency). This variant has not been reported in the literature in individuals affected with POLG-related conditions. ClinVar contains an entry for this variant (Variation ID: 1498470). Advanced modeling of protein sequence and biophysical properties (such as structural, functional, and spatial information, amino acid conservation, physicochemical variation, residue mobility, and thermodynamic stability) performed at Invitae indicates that this missense variant is not expected to disrupt POLG protein function with a negative predictive value of 95%. In summary, the available evidence is currently insufficient to determine the role of this variant in disease. Therefore, it has been classified as a Variant of Uncertain Significance.

GeneDx
Classification: Uncertain significance. Last evaluated: 2022-11-10. Review status: criteria provided, single submitter. Criteria: GeneDx Variant Classification Process June 2021. Collection method: clinical testing. Allele origin: germline. Affected: yes.
Comment: Not observed at significant frequency in large population cohorts (gnomAD); In silico analysis supports that this missense variant does not alter protein structure/function; Has not been previously published as pathogenic or benign to our knowledge

NM_002693.3(POLG):c.372G>T (p.Glu124Asp)

Genes: POLG (DNA polymerase gamma, catalytic subunit; minus strand), POLGARF (POLG alternative reading frame; minus strand). Cytogenetic location: 15q26.1.
Variant type: single nucleotide variant.
Coding change: c.372G>T on transcript NM_002693.3 (MANE Select); coding-DNA position 372, G replaced by T.
Protein change: p.Glu124Asp; replaces glutamic acid 124 with aspartic acid.
Molecular consequence: missense variant.
Genome position (GRCh38, 1-based): chr15:89,333,383, C>A on the plus strand (G>T on the coding strand, the complement: POLG is on the minus strand). VCF-style: chr15-89333383-C-A. GRCh37 (hg19) VCF-style: chr15-89876614-C-A.
Other names: c.372G>T, p.Glu124Asp (NM_001126131.2); short protein forms E124D.
Identifiers: ClinVar variation 1498470 (VCV001498470.9), dbSNP rs1036577228, ClinGen allele CA393772222.